The following is an entry in ClinVar:

NM_133259.4(LRPPRC):c.117T>G (p.Tyr39Ter)

Gene: LRPPRC (leucine rich pentatricopeptide repeat containing; minus strand). Cytogenetic location: 2p21.
Variant type: single nucleotide variant.
Coding change: c.117T>G on transcript NM_133259.4 (MANE Select); coding-DNA position 117, T replaced by G.
Protein change: p.Tyr39Ter; replaces tyrosine 39 with a stop codon.
Molecular consequence: nonsense.
Genome position (GRCh38, 1-based): chr2:43,995,831, A>C on the plus strand (T>G on the coding strand, the complement: LRPPRC is on the minus strand). VCF-style: chr2-43995831-A-C. GRCh37 (hg19) VCF-style: chr2-44222970-A-C.
Other names: short protein forms Y39*.
Identifiers: ClinVar variation 4816479 (VCV004816479.1).
Genomic context (GRCh38, chr2:43,995,831, plus strand): 5'-TGCCTGGAGAAAGGGCCTGGGCACTCACCCGGCCACGGGCCCGGCGCGAGCGGCGGGCAG[A>C]TAGGAGGCGGCATGCAGCCGGCCCGGGCCGCCAGGGAGGAGGCGCAGGGAGAGCGGGAGG-3'

ClinVar aggregate classification (germline): Likely pathogenic (1 of 4 stars; one submission).

Conditions:
Congenital lactic acidosis, Saguenay-Lac-Saint-Jean type (MC4DN5). Also called: CYTOCHROME c OXIDASE DEFICIENCY, FRENCH CANADIAN TYPE; COX DEFICIENCY, FRENCH CANADIAN TYPE; MITOCHONDRIAL COMPLEX IV DEFICIENCY, NUCLEAR TYPE 5. Identifiers: Orphanet 70472, MedGen C1857355, MONDO:0009069, OMIM 220111.

Submission:

Natera, Inc.
Classification: Likely pathogenic for French-Canadian type Leigh syndrome. Last evaluated: 2026-01-20. Review status: criteria provided, single submitter. Criteria: Natera Variant Classification Schema (03/2026). Collection method: clinical testing. Allele origin: germline.
Comment: The c.117T>G variant in LRPPRC is a nonsense variant predicted to introduce a stop codon at amino acid 39. This variant is expected to result in nonsense mediated decay, truncation, or a dysfunctional protein product. This variant is rare in the general population with a frequency below the threshold expected for the associated phenotype(s). Given the available evidence, this variant is classified as Likely Pathogenic.